The following is an entry in ClinVar:

NM_000051.4(ATM):c.709A>G (p.Thr237Ala)

Gene: ATM (ATM serine/threonine kinase; plus strand). Cytogenetic location: 11q22.3.
Variant type: single nucleotide variant.
Coding change: c.709A>G on transcript NM_000051.4 (MANE Select); coding-DNA position 709, A replaced by G.
Protein change: p.Thr237Ala; replaces threonine 237 with alanine.
Molecular consequence: missense variant.
Genome position (GRCh38, 1-based): chr11:108,244,834, A>G. VCF-style: chr11-108244834-A-G. GRCh37 (hg19) VCF-style: chr11-108115561-A-G.
Other names: c.709A>G, p.Thr237Ala (NM_001351834.2); short protein forms T237A.
Identifiers: ClinVar variation 524373 (VCV000524373.19), dbSNP rs376529329, ClinGen allele CA6264672.
Genomic context (GRCh38, chr11:108,244,834, plus strand): 5'-TTGTTTCTTCACAGACAAGAAAAGAGCTCTTCAGGTCTAAATCATATCTTAGCAGCTCTT[A>G]CTATCTTCCTCAAGACTTTGGCTGTCAACTTTCGAATTCGAGTGTGTGAATTAGGAGATG-3'
Protein context (NP_000042.3, residues 227-247): SGLNHILAAL[Thr237Ala]IFLKTLAVNF

ClinVar aggregate classification (germline): Conflicting classifications of pathogenicity. Review status: criteria provided, conflicting classifications (1 of 4 stars). 4 submissions from 4 submitters: Uncertain significance (2); Likely benign (1). 1 of the submissions does not count toward it. Last evaluated 2025-08-24.

Conditions:
Hereditary cancer-predisposing syndrome. Also called: Neoplastic Syndromes, Hereditary; Tumor predisposition; Hereditary Cancer Syndrome; Hereditary neoplastic syndrome. Identifiers: Orphanet 140162, MedGen C0027672, MeSH D009386, MONDO:0015356.
Ataxia-telangiectasia syndrome (AT). Also called: ATAXIA-TELANGIECTASIA, COMPLEMENTATION GROUP A; ATAXIA-TELANGIECTASIA, FRESNO VARIANT; Ataxia-telangiectasia; Ataxia-telangiectasia, complementation group D; AT, COMPLEMENTATION GROUP C; Ataxia-telangiectasia, complementation group E. Identifiers: Orphanet 100, MedGen C0004135, MONDO:0008840, OMIM 208900.

Allele frequency attached by ClinVar (database versions not stated): gnomAD exomes below 0.00001 and 0.00001; gnomAD 0.00001; TOPMed 0.00001; ExAC 0.00002; ESP Exome Variant Server 0.00008.
gnomAD v4.1: 4 of 1,613,786 alleles (0.00025%); highest among the groups gnomAD compares: African/African-American, 0.004%; no homozygotes.

Submissions (4):

Labcorp Genetics (formerly Invitae), Labcorp
Classification: Uncertain significance for Ataxia-telangiectasia syndrome. Last evaluated: 2025-08-24. Review status: criteria provided, single submitter. Criteria: Invitae Variant Classification Sherloc (09022015). Collection method: clinical testing. Allele origin: germline.
Comment: This sequence change replaces threonine, which is neutral and polar, with alanine, which is neutral and non-polar, at codon 237 of the ATM protein (p.Thr237Ala). This variant is present in population databases (rs376529329, gnomAD 0.007%). This variant has not been reported in the literature in individuals affected with ATM-related conditions. ClinVar contains an entry for this variant (Variation ID: 524373). Invitae Evidence Modeling of protein sequence and biophysical properties (such as structural, functional, and spatial information, amino acid conservation, physicochemical variation, residue mobility, and thermodynamic stability) indicates that this missense variant is not expected to disrupt ATM protein function with a negative predictive value of 95%. In summary, the available evidence is currently insufficient to determine the role of this variant in disease. Therefore, it has been classified as a Variant of Uncertain Significance.

Ambry Genetics
Classification: Likely benign for Hereditary cancer-predisposing syndrome. Last evaluated: 2024-11-14. Review status: criteria provided, single submitter. Criteria: Ambry Variant Classification Scheme 2023. Collection method: clinical testing. Allele origin: germline.

Color Diagnostics, LLC DBA Color Health
Classification: Uncertain significance for Hereditary cancer-predisposing syndrome. Last evaluated: 2023-12-05. Review status: criteria provided, single submitter. Criteria: ACMG Guidelines, 2015. Collection method: clinical testing. Allele origin: germline.
Comment: This missense variant replaces threonine with alanine at codon 237 of the ATM protein. Computational prediction suggests that this variant may not impact protein structure and function (internally defined REVEL score threshold <= 0.5, PMID: 27666373). To our knowledge, functional studies have not been reported for this variant. This variant has not been reported in individuals affected with ATM-related disorders in the literature. This variant has been identified in 2/251038 chromosomes in the general population by the Genome Aggregation Database (gnomAD). The available evidence is insufficient to determine the role of this variant in disease conclusively. Therefore, this variant is classified as a Variant of Uncertain Significance.

Natera, Inc.
Classification: Uncertain significance for Ataxia-telangiectasia. Last evaluated: 2020-09-16. Review status: no assertion criteria provided. Collection method: clinical testing. Allele origin: germline. Not counted in ClinVar's aggregate classification.